The following is an entry in ClinVar:

NM_001287.6(CLCN7):c.1272G>A (p.Thr424=)

Gene: CLCN7 (Cl-/H+ antiporter 7; minus strand). Cytogenetic location: 16p13.3.
Variant type: single nucleotide variant.
Coding change: c.1272G>A on transcript NM_001287.6 (MANE Select); coding-DNA position 1272, G replaced by A.
Protein change: p.Thr424=; no amino-acid change (threonine 424 retained).
Molecular consequence: synonymous variant.
Genome position (GRCh38, 1-based): chr16:1,452,836, C>T on the plus strand (G>A on the coding strand, the complement: CLCN7 is on the minus strand). VCF-style: chr16-1452836-C-T. GRCh37 (hg19) VCF-style: chr16-1502837-C-T.
Other names: c.1200G>A, p.Thr400= (NM_001114331.3).
Identifiers: ClinVar variation 317949 (VCV000317949.14), dbSNP rs145286036, ClinGen allele CA7810336.

ClinVar aggregate classification (germline): Conflicting classifications of pathogenicity. Review status: criteria provided, conflicting classifications (1 of 4 stars). 4 submissions from 4 submitters: Uncertain significance (1); Likely benign (3). Last evaluated 2025-10-12.

Conditions:
CLCN7-related disorder. Also called: CLCN7-related condition.
Osteopetrosis. Identifiers: Orphanet 2781, MedGen C0029454, MONDO:0017198, HP:0011002.

Allele frequency attached by ClinVar (database versions not stated): gnomAD exomes 0.00004 and 0.00005; ExAC 0.00007; ESP Exome Variant Server 0.00008; gnomAD 0.00011 and 0.00012; TOPMed 0.00014.
gnomAD v4.1: 90 of 1,591,814 alleles (0.0057%); highest among the groups gnomAD compares: Middle Eastern, 0.17%; no homozygotes.

Submissions (4):

Labcorp Genetics (formerly Invitae), Labcorp
Classification: Likely benign. Last evaluated: 2025-10-12. Review status: criteria provided, single submitter. Criteria: Invitae Variant Classification Sherloc (09022015). Collection method: clinical testing. Allele origin: germline.

PreventionGenetics, part of Exact Sciences
Classification: Likely benign for CLCN7-related condition. Last evaluated: 2025-02-17. Review status: criteria provided, single submitter. Criteria: ACMG Guidelines, 2015. Collection method: clinical testing. Allele origin: germline.
Comment: This variant is classified as likely benign based on ACMG/AMP sequence variant interpretation guidelines (Richards et al. 2015 PMID: 25741868, with internal and published modifications).

Blueprint Genetics
Classification: Likely benign. Last evaluated: 2024-11-14. Review status: criteria provided, single submitter. Criteria: ACMG Guidelines, 2015. Collection method: clinical testing. Allele origin: germline.

Illumina Laboratory Services, Illumina
Classification: Uncertain significance for Osteopetrosis. Last evaluated: 2018-01-12. Review status: criteria provided, single submitter. Criteria: ICSL Variant Classification Criteria 13 December 2019. Collection method: clinical testing. Allele origin: germline.